The following is an entry in ClinVar:

NM_014989.7(RIMS1):c.857T>C (p.Leu286Pro)

Gene: RIMS1 (regulating synaptic membrane exocytosis 1; plus strand). Cytogenetic location: 6q13.
Variant type: single nucleotide variant.
Coding change: c.857T>C on transcript NM_014989.7 (MANE Select); coding-DNA position 857, T replaced by C.
Protein change: p.Leu286Pro; replaces leucine 286 with proline.
Molecular consequence: missense variant.
Genome position (GRCh38, 1-based): chr6:72,182,328, T>C. VCF-style: chr6-72182328-T-C. GRCh37 (hg19) VCF-style: chr6-72892031-T-C.
Other names: short protein forms L286P.
Identifiers: ClinVar variation 3686719 (VCV003686719.2).
Genomic context (GRCh38, chr6:72,182,328, plus strand): 5'-CCTTTGTATATCATAGAAAGAAGACCCCAGGGCTTTCCGAGCAGAATGGCAAAGGAGCCC[T>C]GAAGAGCGAGCGGAAACGCGTGCCAAAGACCTCAGCGCAGCCCGTGGAGGGGGCCGTCGA-3'
Protein context (NP_055804.2, residues 276-296): GLSEQNGKGA[Leu286Pro]KSERKRVPKT

ClinVar aggregate classification (germline): Uncertain significance (1 of 4 stars; one submission).

gnomAD v4.1: 1 of 1,611,860 alleles (0.000062%); highest among the groups gnomAD compares: Middle Eastern, 0.017%; no homozygotes.

Submission:

Labcorp Genetics (formerly Invitae), Labcorp
Classification: Uncertain significance. Last evaluated: 2024-07-02. Review status: criteria provided, single submitter. Criteria: Invitae Variant Classification Sherloc (09022015). Collection method: clinical testing. Allele origin: germline.
Comment: This sequence change replaces leucine, which is neutral and non-polar, with proline, which is neutral and non-polar, at codon 286 of the RIMS1 protein (p.Leu286Pro). This variant is present in population databases (no rsID available, gnomAD 0.0009%). This variant has not been reported in the literature in individuals affected with RIMS1-related conditions. Algorithms developed to predict the effect of missense changes on protein structure and function output the following: SIFT: "Not Available"; PolyPhen-2: "Benign"; Align-GVGD: "Not Available". The proline amino acid residue is found in multiple mammalian species, which suggests that this missense change does not adversely affect protein function. In summary, the available evidence is currently insufficient to determine the role of this variant in disease. Therefore, it has been classified as a Variant of Uncertain Significance.